The following is an entry in ClinVar:

ClinVar aggregate classification (germline): Uncertain significance (1 of 4 stars; one submission).

gnomAD v4.1: 11 of 1,612,888 alleles (0.00068%); highest among the groups gnomAD compares: South Asian, 0.0011%; no homozygotes.

Submission:

Labcorp Genetics (formerly Invitae), Labcorp
Classification: Uncertain significance. Last evaluated: 2024-07-11. Review status: criteria provided, single submitter. Criteria: Invitae Variant Classification Sherloc (09022015). Collection method: clinical testing. Allele origin: germline.
Comment: This sequence change replaces aspartic acid, which is acidic and polar, with glycine, which is neutral and non-polar, at codon 61 of the SEPT9 protein (p.Asp61Gly). This variant is present in population databases (rs749540070, gnomAD 0.002%). This variant has not been reported in the literature in individuals affected with SEPT9-related conditions. An algorithm developed to predict the effect of missense changes on protein structure and function (PolyPhen-2) suggests that this variant is likely to be disruptive. In summary, the available evidence is currently insufficient to determine the role of this variant in disease. Therefore, it has been classified as a Variant of Uncertain Significance.

NM_001113491.2(SEPTIN9):c.236A>G (p.Asp79Gly)

Gene: SEPTIN9 (septin 9; plus strand). Cytogenetic location: 17q25.3.
Variant type: single nucleotide variant.
Coding change: c.236A>G on transcript NM_001113491.2 (MANE Select); coding-DNA position 236, A replaced by G.
Protein change: p.Asp79Gly; replaces aspartic acid 79 with glycine.
Molecular consequence: missense variant. On other transcripts: 5 prime UTR variant (2).
Genome position (GRCh38, 1-based): chr17:77,402,218, A>G. VCF-style: chr17-77402218-A-G. GRCh37 (hg19) VCF-style: chr17-75398300-A-G.
Other names: c.-257A>G (NM_001113492.2, NM_001113494.1); c.215A>G, p.Asp72Gly (NM_001113493.2); c.179A>G, p.Asp60Gly (NM_001293695.2); c.182A>G, p.Asp61Gly (NM_006640.5); short protein forms D60G, D61G, D72G, D79G.
Identifiers: ClinVar variation 3617412 (VCV003617412.2).
Genomic context (GRCh38, chr17:77,402,218, plus strand): 5'-CCACCCAGAAATTCCAGGACCTGGGCGTGAAGAACTCAGAACCCTCGGCCCGCCATGTGG[A>G]CTCCCTAAGCCAACGCTCCCCCAAGGCGTCCCTGCGGAGGGTGGAGCTCTCGGGCCCCAA-3'
Protein context (NP_001106963.1, residues 69-89): KNSEPSARHV[Asp79Gly]SLSQRSPKAS